The following is an entry in ClinVar:

ClinVar aggregate classification (germline): Uncertain significance. Review status: criteria provided, multiple submitters, no conflicts (2 of 4 stars). 2 submissions from 2 submitters: Uncertain significance (2). Last evaluated 2023-06-20.

Submissions (2):

GeneDx
Classification: Uncertain significance. Last evaluated: 2023-06-20. Review status: criteria provided, single submitter. Criteria: GeneDx Variant Classification Process June 2021. Collection method: clinical testing. Allele origin: germline. Affected: yes.
Comment: Has not been previously published as pathogenic or benign to our knowledge; Not observed at significant frequency in large population cohorts (gnomAD); Frameshift variant predicted to result in protein truncation as the last 10 amino acids are replaced with 20 different amino acids, although loss-of-function variants have not been reported downstream of this position in the protein

Labcorp Genetics (formerly Invitae), Labcorp
Classification: Uncertain significance. Last evaluated: 2023-02-27. Review status: criteria provided, single submitter. Criteria: Invitae Variant Classification Sherloc (09022015). Collection method: clinical testing. Allele origin: germline.
Comment: This sequence change results in a frameshift in the LOX gene (p.Tyr408Cysfs*21). While this is not anticipated to result in nonsense mediated decay, it is expected to disrupt the last 10 amino acid(s) of the LOX protein and extend the protein by 10 additional amino acid residues. This variant is not present in population databases (gnomAD no frequency). ClinVar contains an entry for this variant (Variation ID: 1992745). Experimental studies and prediction algorithms are not available or were not evaluated, and the functional significance of this variant is currently unknown. In summary, the available evidence is currently insufficient to determine the role of this variant in disease. Therefore, it has been classified as a Variant of Uncertain Significance. This frameshift has been observed in individuals with clinical features of thoracic aortic aneurysm and dissection (Invitae).

NM_002317.7(LOX):c.1221_1222dup (p.Tyr408fs)

Genes: LOX (lysyl oxidase; minus strand), SRFBP1 (serum response factor binding protein 1; plus strand). Cytogenetic location: 5q23.1.
Variant type: Duplication.
Coding change: c.1221_1222dup on transcript NM_002317.7 (MANE Select); coding-DNA positions 1221 to 1222, 2 bases duplicated (GT; older notation c.1221_1222dupGT).
Protein change: p.Tyr408fs; shifts the reading frame from tyrosine 408.
Molecular consequence: frameshift variant.
Genome position (GRCh38, 1-based): chr5:122,070,078-122,070,079, AC duplicated on the plus strand (GT on the coding strand, the reverse complement: LOX is on the minus strand). VCF-style (leftmost placement, unchanged base first): chr5-122070077-T-TAC. GRCh37 (hg19) VCF-style: chr5-121405772-T-TAC.
Other names: c.531_532dup, p.Tyr178fs (NM_001178102.2); c.330_331dup, p.Tyr111fs (NM_001317073.1); c.1221_1222dup (NM_002317.6); short protein forms Y178fs, Y408fs, Y111fs.
Identifiers: ClinVar variation 1992745 (VCV001992745.5), dbSNP rs2532900885, ClinGen allele CA2580072416.